The following is an entry in ClinVar:

ClinVar aggregate classification (germline): Uncertain significance. Review status: criteria provided, multiple submitters, no conflicts (2 of 4 stars). 2 submissions from 2 submitters: Uncertain significance (2). Last evaluated 2022-11-08.

Conditions:
Inborn genetic diseases. Identifiers: MedGen C0950123, MeSH D030342.
Sandhoff disease. Also called: Beta-hexosaminidase-beta-subunit deficiency; GM2 gangliosidosis, type 2; Total hexosaminidase deficiency; Sandhoff-Jatzkewitz-Pilz disease; GM2-GANGLIOSIDOSIS, TYPE II; HEXOSAMINIDASES A AND B DEFICIENCY. Identifiers: Orphanet 796, MedGen C0036161, MONDO:0010006, OMIM 268800.

Allele frequency attached by ClinVar (database versions not stated): gnomAD 0.00001; TOPMed 0.00001; ExAC 0.00002; gnomAD exomes 0.00003.
gnomAD v4.1: 41 of 1,613,630 alleles (0.0025%); highest among the groups gnomAD compares: Non-Finnish European, 0.0035%; no homozygotes.

Submissions (2):

Ambry Genetics
Classification: Uncertain significance for Inborn genetic diseases. Last evaluated: 2022-11-08. Review status: criteria provided, single submitter. Criteria: Ambry Variant Classification Scheme 2023. Collection method: clinical testing. Allele origin: germline.

Labcorp Genetics (formerly Invitae), Labcorp
Classification: Uncertain significance for Sandhoff disease. Last evaluated: 2021-12-22. Review status: criteria provided, single submitter. Criteria: Invitae Variant Classification Sherloc (09022015). Collection method: clinical testing. Allele origin: germline.
Comment: This sequence change replaces glutamic acid, which is acidic and polar, with glycine, which is neutral and non-polar, at codon 491 of the HEXB protein (p.Glu491Gly). This variant is present in population databases (rs754180181, gnomAD 0.005%). This variant has not been reported in the literature in individuals affected with HEXB-related conditions. Advanced modeling of protein sequence and biophysical properties (such as structural, functional, and spatial information, amino acid conservation, physicochemical variation, residue mobility, and thermodynamic stability) performed at Invitae indicates that this missense variant is expected to disrupt HEXB protein function. In summary, the available evidence is currently insufficient to determine the role of this variant in disease. Therefore, it has been classified as a Variant of Uncertain Significance.

NM_000521.4(HEXB):c.1472A>G (p.Glu491Gly)

Gene: HEXB (hexosaminidase subunit beta; plus strand). Cytogenetic location: 5q13.3.
Variant type: single nucleotide variant.
Coding change: c.1472A>G on transcript NM_000521.4 (MANE Select); coding-DNA position 1472, A replaced by G.
Protein change: p.Glu491Gly; replaces glutamic acid 491 with glycine.
Molecular consequence: missense variant.
Genome position (GRCh38, 1-based): chr5:74,720,482, A>G. VCF-style: chr5-74720482-A-G. GRCh37 (hg19) VCF-style: chr5-74016307-A-G.
Other names: c.1472A>G (NM_000521.3); c.797A>G, p.Glu266Gly (NM_001292004.2); short protein forms E266G, E491G.
Identifiers: ClinVar variation 2187043 (VCV002187043.2), dbSNP rs754180181, ClinGen allele CA3306159.
Genomic context (GRCh38, chr5:74,720,482, plus strand): 5'-ATTTAGGTACTCAGAAACAGAAACAACTTTTCATTGGTGGAGAAGCTTGTCTATGGGGAG[A>G]ATATGTGGATGCAACTAACCTCACTCCAAGATTATGGTATGGGATTTACCTGATAACATT-3'
Protein context (NP_000512.2, residues 481-501): FIGGEACLWG[Glu491Gly]YVDATNLTPR